The following is an entry in ClinVar:

NM_020982.4(CLDN9):c.373CTC[2] (p.Leu127del)

Gene: CLDN9 (claudin 9; plus strand). Cytogenetic location: 16p13.3.
Variant type: Microsatellite.
Coding change: c.373CTC[2] on transcript NM_020982.4 (MANE Select); two copies in a row of the 3-base unit CTC starting at c.373; the reference has three copies in a row; one copy, 3 bases deleted.
Protein change: p.Leu127del; deletes leucine 127.
Molecular consequence: inframe deletion.
Genome position (GRCh38, 1-based): chr16:3,013,741-3,013,743, CTC deleted; deleting any 3 consecutive bases within chr16:3,013,733-3,013,743 gives the same sequence; the position shown is the placement nearest the transcript's 3' end. VCF-style (leftmost placement, unchanged base first): chr16-3013732-ATCC-A. GRCh37 (hg19) VCF-style: chr16-3063733-ATCC-A.
Other names: short protein forms L127del.
Identifiers: ClinVar variation 5002671 (VCV005002671.1).

ClinVar aggregate classification (germline): Uncertain significance (1 of 4 stars; one submission).

Conditions:
Hearing loss, autosomal recessive 116. Also called: DEAFNESS, AUTOSOMAL RECESSIVE 116. Identifiers: MedGen C5436789, MONDO:0033670, OMIM 619093.

Submission:

OLLIN Analises Genomicas, OLLIN
Classification: Uncertain significance for Hearing loss, autosomal recessive 116. Last evaluated: 2026-08-06. Review status: criteria provided, single submitter. Criteria: ACMG Guidelines 2015 PMID 25741868. Collection method: clinical testing. Allele origin: germline. Inheritance: Autosomal recessive inheritance.
Comment: This in-frame deletion, located in exon 1 (of 1), has been observed in gnomAD with an allele frequency of 0.00087%, but has not been reported in ClinVar or identified in the literature. This variant removes 1 amino acid, preserving the reading frame and leading to a reduced protein length. According to the currently available evidence, this variant has been classified as uncertain significance (PM2_P, PM4).